The following is an entry in ClinVar:

ClinVar aggregate classification (germline): Likely pathogenic (1 of 4 stars; one submission).

Conditions:
Hereditary cancer-predisposing syndrome. Also called: Tumor predisposition; Hereditary Cancer Syndrome; Neoplastic Syndromes, Hereditary; Hereditary neoplastic syndrome. Identifiers: Orphanet 140162, MedGen C0027672, MeSH D009386, MONDO:0015356.

Allele frequency attached by ClinVar (database versions not stated): gnomAD exomes below 0.00001.
gnomAD v4.1: 5 of 1,611,972 alleles (0.00031%); highest among the groups gnomAD compares: Non-Finnish European, 0.00042%; no homozygotes.

Submission:

Labcorp Genetics (formerly Invitae), Labcorp
Classification: Likely pathogenic for Hereditary cancer-predisposing syndrome. Last evaluated: 2021-12-24. Review status: criteria provided, single submitter. Criteria: Invitae Variant Classification Sherloc (09022015). Collection method: clinical testing. Allele origin: germline.
Comment: In summary, the currently available evidence indicates that the variant is pathogenic, but additional data are needed to prove that conclusively. Therefore, this variant has been classified as Likely Pathogenic. This variant disrupts the ATPase-C domain, which is important for RAD50 ATPase activity (PMID: 10892749, 24894818). While functional studies have not been performed to directly test the effect of this variant on RAD50 protein function, this suggests that disruption of this region of the protein is causative of disease. Studies have shown that this variant results in skipping of exon 25 and introduces a new termination codon (Invitae). However the mRNA is not expected to undergo nonsense-mediated decay. This variant has not been reported in the literature in individuals affected with RAD50-related conditions. This variant is not present in population databases (gnomAD no frequency). This sequence change falls in intron 24 of the RAD50 gene. It does not directly change the encoded amino acid sequence of the RAD50 protein. RNA analysis indicates that this variant induces altered splicing and likely disrupts the C-terminus of the protein.

Literature cited by the submitters: PubMed 10892749; PubMed 24894818.

NM_005732.4(RAD50):c.3753-8T>G

Genes: RAD50 (RAD50 double strand break repair protein; plus strand), TH2-LCR (Th2 cytokine locus control region; plus strand), TH2LCRR (T helper type 2 locus control region associated RNA; minus strand). Cytogenetic location: 5q31.1.
Variant type: single nucleotide variant.
Coding change: c.3753-8T>G on transcript NM_005732.4 (MANE Select); 8 bases into the intron before coding-DNA position 3753, T replaced by G.
Molecular consequence: intron variant.
Genome position (GRCh38, 1-based): chr5:132,642,170, T>G. VCF-style: chr5-132642170-T-G. GRCh37 (hg19) VCF-style: chr5-131977862-T-G.
Identifiers: ClinVar variation 2056955 (VCV002056955.4), dbSNP rs2479439706, ClinGen allele CA2580072789.
Genomic context (GRCh38, chr5:132,642,170, plus strand): 5'-GTGACTTTTCAAATCAAAGAAGGGGTTATGCTCTTTACTAATAATATGTTCTGAATATAT[T>G]GTTGCAGGATAATAAAAAGTCGCTCACAGCAGCGTAACTTCCAGCTTCTGGTAATCACTC-3'